The following is an entry in ClinVar:

ClinVar aggregate classification (germline): Uncertain significance (1 of 4 stars; one submission).

Submission:

Ambry Genetics
Classification: Uncertain significance. Last evaluated: 2024-03-18. Review status: criteria provided, single submitter. Criteria: Ambry Variant Classification Scheme 2023. Collection method: clinical testing. Allele origin: germline.
Comment: The p.V569M variant (also known as c.1705G>A), located in coding exon 12 of the RINT1 gene, results from a G to A substitution at nucleotide position 1705. The valine at codon 569 is replaced by methionine, an amino acid with highly similar properties. This amino acid position is conserved. In addition, this alteration is predicted to be tolerated by in silico analysis. Based on the available evidence, the clinical significance of this alteration remains unclear.

NM_021930.6(RINT1):c.1705G>A (p.Val569Met)

Gene: RINT1 (RAD50 interactor 1; plus strand). Cytogenetic location: 7q22.3.
Variant type: single nucleotide variant.
Coding change: c.1705G>A on transcript NM_021930.6 (MANE Select); coding-DNA position 1705, G replaced by A.
Protein change: p.Val569Met; replaces valine 569 with methionine.
Molecular consequence: missense variant. On other transcripts: non-coding transcript variant (1).
Genome position (GRCh38, 1-based): chr7:105,563,766, G>A. VCF-style: chr7-105563766-G-A. GRCh37 (hg19) VCF-style: chr7-105204213-G-A.
Other names: c.1471G>A, p.Val491Met (NM_001346599.2); c.682G>A, p.Val228Met (NM_001346600.2, NM_001346603.2); c.781G>A, p.Val261Met (NM_001346601.2); short protein forms V569M, V491M, V228M, V261M.
Identifiers: ClinVar variation 3314433 (VCV003314433.1).